The following is an entry in ClinVar:

ClinVar aggregate classification (germline): Conflicting classifications of pathogenicity. Review status: criteria provided, conflicting classifications (1 of 4 stars). 4 submissions from 4 submitters: Uncertain significance (2); Likely benign (1). 1 of the submissions does not count toward it. Last evaluated 2025-03-04.

Conditions:
Hereditary cancer-predisposing syndrome. Also called: Hereditary neoplastic syndrome; Tumor predisposition; Neoplastic Syndromes, Hereditary; Hereditary Cancer Syndrome. Identifiers: Orphanet 140162, MedGen C0027672, MeSH D009386, MONDO:0015356.
Hereditary breast ovarian cancer syndrome. Also called: Hereditary breast and ovarian cancer syndrome (HBOC); Hereditary breast and/or ovarian cancer syndrome; Hereditary breast and ovarian cancer; BRCA1- and BRCA2-Associated Hereditary Breast and Ovarian Cancer; Hereditary breast and ovarian cancer syndrome; Breast and ovarian cancer. Identifiers: Orphanet 145, MedGen C0677776, MeSH D061325, MONDO:0003582. Disease mechanism: loss of function.
Breast-ovarian cancer, familial, susceptibility to, 1 (BROVCA1). Also called: BRCA1 Hereditary Breast and Ovarian Cancer; OVARIAN CANCER, SUSCEPTIBILITY TO. Identifiers: Orphanet 145, MedGen C2676676, MONDO:0011450, OMIM 604370. Disease mechanism: loss of function.

Allele frequency attached by ClinVar (database versions not stated): gnomAD exomes below 0.00001.
gnomAD v4.1: 1 of 1,613,970 alleles (0.000062%); highest among the groups gnomAD compares: African/African-American, 0.0013%; no homozygotes.

Submissions (4):

Center for Genomic Medicine, Rigshospitalet, Copenhagen University Hospital
Classification: Likely benign. Last evaluated: 2025-03-04. Review status: criteria provided, single submitter. Criteria: ACMG Guidelines, 2015. Collection method: clinical testing. Allele origin: germline.

Labcorp Genetics (formerly Invitae), Labcorp
Classification: Uncertain significance for Hereditary breast ovarian cancer syndrome. Last evaluated: 2024-02-15. Review status: criteria provided, single submitter. Criteria: Invitae Variant Classification Sherloc (09022015). Collection method: clinical testing. Allele origin: germline.
Comment: This sequence change replaces serine, which is neutral and polar, with proline, which is neutral and non-polar, at codon 1542 of the BRCA1 protein (p.Ser1542Pro). This variant is not present in population databases (gnomAD no frequency). This variant has not been reported in the literature in individuals affected with BRCA1-related conditions. ClinVar contains an entry for this variant (Variation ID: 920744). Advanced modeling of protein sequence and biophysical properties (such as structural, functional, and spatial information, amino acid conservation, physicochemical variation, residue mobility, and thermodynamic stability) performed at Invitae indicates that this missense variant is not expected to disrupt BRCA1 protein function with a negative predictive value of 95%. In summary, the available evidence is currently insufficient to determine the role of this variant in disease. Therefore, it has been classified as a Variant of Uncertain Significance.

Color Diagnostics, LLC DBA Color Health
Classification: Uncertain significance for Hereditary cancer-predisposing syndrome. Last evaluated: 2019-03-05. Review status: criteria provided, single submitter. Criteria: ACMG Guidelines, 2015. Collection method: clinical testing. Allele origin: germline.

KCCC/NGS Laboratory, Kuwait Cancer Control Center
Classification: Uncertain significance for Breast-ovarian cancer, familial, susceptibility to, 1. Last evaluated: 2023-05-05. Review status: no assertion criteria provided. Collection method: clinical testing. Allele origin: germline. Affected: yes. Not counted in ClinVar's aggregate classification.
Comment: A variant of uncertain significance was detected in the BRCA1 gene (c.4687T>C). This sequence change replaces serine with proline at codon 1563 of the BRCA1 protein (p.Ser1545Pro). This variant is not present in population databases (gnomAD). This variant has not been reported in the literature in individuals affected with BRCA1-related conditions. In-silico predictions show benign computational verdict based on 9 benign predictions from DANN, DEOGEN2, EIGEN, FATHMMMKL, LIST-S2, MVP, MutationAssessor, MutationTaster and PrimateAI vs 3 pathogenic predictions from BayesDel_addAF, M-CAP and SIFT and the position is not highly conserved. These predictions have not verified by functional studies. ClinVar has an entry for this variant (920744). In summary, the available evidence is currently insufficient to determine the role of this variant in disease. Therefore, it has been classified as a Variant of Uncertain Significance.

Literature cited by the submitters: PubMed 20104584 (cited by KCCC/NGS Laboratory, Kuwait Cancer Control Center).

NM_007294.4(BRCA1):c.4624T>C (p.Ser1542Pro)

Gene: BRCA1 (BRCA1 DNA repair associated; minus strand). Cytogenetic location: 17q21.31.
Variant type: single nucleotide variant.
Coding change: c.4624T>C on transcript NM_007294.4 (MANE Select); coding-DNA position 4624, T replaced by C.
Protein change: p.Ser1542Pro; replaces serine 1542 with proline.
Molecular consequence: missense variant. On other transcripts: non-coding transcript variant (1).
Genome position (GRCh38, 1-based): chr17:43,074,382, A>G on the plus strand (T>C on the coding strand, the complement: BRCA1 is on the minus strand). VCF-style: chr17-43074382-A-G. GRCh37 (hg19) VCF-style: chr17-41226399-A-G.
Other names: c.4687T>C (NM_007300.3); c.4411T>C, p.Ser1471Pro (NM_001407571.1, NM_001407898.1, NM_001407899.1 and 12 more transcripts); c.4690T>C, p.Ser1564Pro (NM_001407581.1, NM_001407582.1); c.4687T>C, p.Ser1563Pro (NM_001407583.1, NM_001407585.1, NM_001407587.1 and 1 more transcripts); c.4684T>C, p.Ser1562Pro (NM_001407590.1, NM_001407591.1); c.4624T>C, p.Ser1542Pro (NM_001407593.1, NM_001407594.1, NM_001407596.1 and 8 more transcripts); c.4621T>C, p.Ser1541Pro (NM_001407610.1, NM_001407611.1, NM_001407612.1 and 17 more transcripts); c.4618T>C, p.Ser1540Pro (NM_001407627.1, NM_001407628.1, NM_001407629.1 and 14 more transcripts); and 69 more; short protein forms S438P, S1495P, S1542P, S1563P, S1413P, S1429P, S1431P, S1454P.
Identifiers: ClinVar variation 920744 (VCV000920744.10), dbSNP rs2052595821, ClinGen allele CA10592261.